The following is an entry in ClinVar:

ClinVar aggregate classification (germline): Uncertain significance. Review status: criteria provided, multiple submitters, no conflicts (2 of 4 stars). 2 submissions from 2 submitters: Uncertain significance (2). Last evaluated 2021-06-29.

Conditions:
Hereditary cancer-predisposing syndrome. Also called: Neoplastic Syndromes, Hereditary; Tumor predisposition; Hereditary Cancer Syndrome; Hereditary neoplastic syndrome. Identifiers: Orphanet 140162, MedGen C0027672, MeSH D009386, MONDO:0015356.
Familial cancer of breast. Also called: BREAST CANCER, FAMILIAL; Hereditary breast cancer; hereditary breast carcinoma. Identifiers: Orphanet 227535, MedGen C0346153, MONDO:0016419, OMIM 114480. Disease mechanism: loss of function.

Submissions (2):

Labcorp Genetics (formerly Invitae), Labcorp
Classification: Uncertain significance for Familial cancer of breast. Last evaluated: 2021-06-29. Review status: criteria provided, single submitter. Criteria: Invitae Variant Classification Sherloc (09022015). Collection method: clinical testing. Allele origin: germline.
Comment: In summary, the available evidence is currently insufficient to determine the role of this variant in disease. Therefore, it has been classified as a Variant of Uncertain Significance. Algorithms developed to predict the effect of missense changes on protein structure and function (SIFT, PolyPhen-2, Align-GVGD) all suggest that this variant is likely to be tolerated, but these predictions have not been confirmed by published functional studies and their clinical significance is uncertain. This variant has not been reported in the literature in individuals with BARD1-related conditions. ClinVar contains an entry for this variant (Variation ID:¬†482831). This variant is not present in population databases (ExAC no frequency). This sequence change replaces glutamic acid with aspartic acid at codon 270 of the BARD1 protein (p.Glu270Asp). The glutamic acid residue is moderately conserved and there is a small physicochemical difference between glutamic acid and aspartic acid.

Ambry Genetics
Classification: Uncertain significance for Hereditary cancer-predisposing syndrome. Last evaluated: 2017-07-19. Review status: criteria provided, single submitter. Criteria: Ambry Variant Classification Scheme 2023. Collection method: clinical testing. Allele origin: germline.
Comment: The p.E270D variant (also known as c.810A>C), located in coding exon 4 of the BARD1 gene, results from an A to C substitution at nucleotide position 810. The glutamic acid at codon 270 is replaced by aspartic acid, an amino acid with highly similar properties. This amino acid position is poorly conserved in available vertebrate species. In addition, this alteration is predicted to be tolerated by in silico analysis. Since supporting evidence is limited at this time, the clinical significance of this alteration remains unclear.

NM_000465.4(BARD1):c.810A>C (p.Glu270Asp)

Gene: BARD1 (BRCA1 associated RING domain 1; minus strand). Cytogenetic location: 2q35.
Variant type: single nucleotide variant.
Coding change: c.810A>C on transcript NM_000465.4 (MANE Select); coding-DNA position 810, A replaced by C.
Protein change: p.Glu270Asp; replaces glutamic acid 270 with aspartic acid.
Molecular consequence: missense variant. On other transcripts: non-coding transcript variant (2), intron variant (3).
Genome position (GRCh38, 1-based): chr2:214,781,064, T>G on the plus strand (A>C on the coding strand, the complement: BARD1 is on the minus strand). VCF-style: chr2-214781064-T-G. GRCh37 (hg19) VCF-style: chr2-215645788-T-G.
Other names: c.753A>C, p.Glu251Asp (NM_001282543.2); c.158+28348A>C (NM_001282548.2); c.215+15997A>C (NM_001282545.2); c.364+11233A>C (NM_001282549.2); short protein forms E270D, E251D.
Identifiers: ClinVar variation 482831 (VCV000482831.14), dbSNP rs1553622429, ClinGen allele CA350455552.